The following is an entry in ClinVar:

ClinVar aggregate classification (germline): Uncertain significance. Review status: criteria provided, multiple submitters, no conflicts (2 of 4 stars). 2 submissions from 2 submitters: Uncertain significance (2). Last evaluated 2024-11-24.

Conditions:
Inborn genetic diseases. Identifiers: MedGen C0950123, MeSH D030342.

Allele frequency attached by ClinVar (database versions not stated): gnomAD 0.00001; ExAC 0.00003; gnomAD exomes 0.00004 and 0.00005.
gnomAD v4.1: 63 of 1,614,068 alleles (0.0039%); highest among the groups gnomAD compares: Middle Eastern, 0.016%; no homozygotes.

Submissions (2):

Ambry Genetics
Classification: Uncertain significance for Inborn genetic diseases. Last evaluated: 2024-11-24. Review status: criteria provided, single submitter. Criteria: Ambry Variant Classification Scheme 2023. Collection method: clinical testing. Allele origin: germline.

Labcorp Genetics (formerly Invitae), Labcorp
Classification: Uncertain significance. Last evaluated: 2022-07-11. Review status: criteria provided, single submitter. Criteria: Invitae Variant Classification Sherloc (09022015). Collection method: clinical testing. Allele origin: germline.
Comment: This sequence change replaces histidine, which is basic and polar, with tyrosine, which is neutral and polar, at codon 84 of the UNC80 protein (p.His84Tyr). This variant is present in population databases (rs748631451, gnomAD 0.02%). This variant has not been reported in the literature in individuals affected with UNC80-related conditions. ClinVar contains an entry for this variant (Variation ID: 1441474). Algorithms developed to predict the effect of missense changes on protein structure and function are either unavailable or do not agree on the potential impact of this missense change (SIFT: "Not Available"; PolyPhen-2: "Possibly Damaging"; Align-GVGD: "Not Available"). In summary, the available evidence is currently insufficient to determine the role of this variant in disease. Therefore, it has been classified as a Variant of Uncertain Significance.

NM_001371986.1(UNC80):c.250C>T (p.His84Tyr)

Gene: UNC80 (unc-80 homolog, NALCN channel complex subunit; plus strand). Cytogenetic location: 2q34.
Variant type: single nucleotide variant.
Coding change: c.250C>T on transcript NM_001371986.1 (MANE Select); coding-DNA position 250, C replaced by T.
Protein change: p.His84Tyr; replaces histidine 84 with tyrosine.
Molecular consequence: missense variant.
Genome position (GRCh38, 1-based): chr2:209,775,997, C>T. VCF-style: chr2-209775997-C-T. GRCh37 (hg19) VCF-style: chr2-210640721-C-T.
Other names: c.250C>T, p.His84Tyr (NM_032504.2, NM_182587.4); c.250C>T (NM_032504.1); short protein forms H84Y.
Identifiers: ClinVar variation 1441474 (VCV001441474.4), dbSNP rs748631451, ClinGen allele CA2082697.